The following is an entry in ClinVar:

ClinVar aggregate classification (germline): Likely benign. Review status: criteria provided, multiple submitters, no conflicts (2 of 4 stars). 4 submissions from 4 submitters: Likely benign (4). Last evaluated 2025-11-03.

Conditions:
Cardiomyopathy (CMYO). Also called: Cardiomyopathies. Identifiers: Orphanet 167848, MedGen C0878544, MONDO:0004994, HP:0001638. Inheritance: Various modes of inheritance.
Hypertrophic cardiomyopathy. Also called: HYPERTROPHIC MYOCARDIOPATHY. Identifiers: Orphanet 217569, MedGen C0007194, MeSH D002312, MONDO:0005045, HP:0001639.

Allele frequency attached by ClinVar (database versions not stated): gnomAD 0.00001 and 0.00002; TOPMed 0.00004; ESP Exome Variant Server 0.00008.
gnomAD v4.1: 38 of 1,613,200 alleles (0.0024%); highest among the groups gnomAD compares: East Asian, 0.0067%; no homozygotes.

Submissions (4):

Labcorp Genetics (formerly Invitae), Labcorp
Classification: Likely benign for Hypertrophic cardiomyopathy. Last evaluated: 2025-11-03. Review status: criteria provided, single submitter. Criteria: Invitae Variant Classification Sherloc (09022015). Collection method: clinical testing. Allele origin: germline.

ARUP Laboratories, Molecular Genetics and Genomics, ARUP Laboratories
Classification: Likely benign. Last evaluated: 2025-04-04. Review status: criteria provided, single submitter. Criteria: ARUP Molecular Germline Variant Investigation Process 2024. Collection method: clinical testing. Allele origin: germline.

All of Us Research Program, National Institutes of Health
Classification: Likely benign for Hypertrophic cardiomyopathy. Last evaluated: 2023-10-23. Review status: criteria provided, single submitter. Criteria: ACMG Guidelines, 2015. Collection method: clinical testing. Allele origin: germline. Inheritance: Autosomal dominant inheritance. Observed: 8 variant alleles, 8 heterozygotes.
Comment: This study involves interpretation of variants in research participants for the purpose of population health screening. Participant phenotype was not available at the time of variant classification. Additional details can be found in publication PMID: 35346344, PMCID: PMC8962531

Color Diagnostics, LLC DBA Color Health
Classification: Likely benign for Cardiomyopathy. Last evaluated: 2019-06-04. Review status: criteria provided, single submitter. Criteria: ACMG Guidelines, 2015. Collection method: clinical testing. Allele origin: germline.

NM_000363.5(TNNI3):c.550-13C>T

Gene: TNNI3 (troponin I3, cardiac type; minus strand). Cytogenetic location: 19q13.42.
Variant type: single nucleotide variant.
Coding change: c.550-13C>T on transcript NM_000363.5 (MANE Select); 13 bases into the intron before coding-DNA position 550, C replaced by T.
Molecular consequence: intron variant.
Genome position (GRCh38, 1-based): chr19:55,151,930, G>A on the plus strand (C>T on the coding strand, the complement: TNNI3 is on the minus strand). VCF-style: chr19-55151930-G-A. GRCh37 (hg19) VCF-style: chr19-55663298-G-A.
Identifiers: ClinVar variation 927146 (VCV000927146.11), dbSNP rs372398075, ClinGen allele CA051759.